The following is an entry in ClinVar:

NM_001122630.2(CDKN1C):c.597C>G (p.Pro199=)

Gene: CDKN1C (cyclin dependent kinase inhibitor 1C; minus strand). Cytogenetic location: 11p15.4.
Variant type: single nucleotide variant.
Coding change: c.597C>G on transcript NM_001122630.2 (MANE Select); coding-DNA position 597, C replaced by G.
Protein change: p.Pro199=; no amino-acid change (proline 199 retained).
Molecular consequence: synonymous variant. On other transcripts: intron variant (1).
Genome position (GRCh38, 1-based): chr11:2,884,860, G>C on the plus strand (C>G on the coding strand, the complement: CDKN1C is on the minus strand). VCF-style: chr11-2884860-G-C. GRCh37 (hg19) VCF-style: chr11-2906090-G-C.
Other names: c.630C>G, p.Pro210= (NM_000076.2, NM_001362474.2, LRG_533t1); c.597C>G, p.Pro199= (NM_001122631.2); c.255+342C>G (NM_001362475.2).
Identifiers: ClinVar variation 454022 (VCV000454022.38), dbSNP rs767656648, ClinGen allele CA5822206.

ClinVar aggregate classification (germline): Conflicting classifications of pathogenicity. Review status: criteria provided, conflicting classifications (1 of 4 stars). 4 submissions from 4 submitters: Uncertain significance (1); Likely benign (3). Last evaluated 2025-12-08.

Conditions:
Beckwith-Wiedemann syndrome (BWS). Also called: Exomphalos macroglossia gigantism syndrome; EMG SYNDROME. Identifiers: Orphanet 116, MedGen C0004903, MONDO:0007534, OMIM 130650.

Allele frequency attached by ClinVar (database versions not stated): ExAC below 0.00001; gnomAD 0.00004 and 0.00006; gnomAD exomes 0.00008 and 0.00124.

Submissions (4):

Labcorp Genetics (formerly Invitae), Labcorp
Classification: Likely benign for Beckwith-Wiedemann syndrome. Last evaluated: 2025-12-08. Review status: criteria provided, single submitter. Criteria: Invitae Variant Classification Sherloc (09022015). Collection method: clinical testing. Allele origin: germline.

CeGaT Center for Human Genetics Tuebingen
Classification: Likely benign. Last evaluated: 2025-01-01. Review status: criteria provided, single submitter. Criteria: CeGaT Center For Human Genetics Tuebingen Variant Classification Criteria Version 2. Collection method: clinical testing. Allele origin: germline. Affected: yes. Observed: 5 variant alleles.
Comment: CDKN1C: BP4, BP7

Revvity Omics, Revvity
Classification: Uncertain significance. Last evaluated: 2019-01-18. Review status: criteria provided, single submitter. Criteria: ACMG Guidelines, 2015. Collection method: clinical testing. Allele origin: germline.

Breakthrough Genomics
Classification: Likely benign. Review status: criteria provided, single submitter. Criteria: ACMG Guidelines, 2015. Collection method: not provided. Allele origin: germline. Inheritance: Autosomal dominant inheritance. Affected: yes.